The following is an entry in ClinVar:

ClinVar aggregate classification (germline): Pathogenic (1 of 4 stars; one submission).

Submission:

Labcorp Genetics (formerly Invitae), Labcorp
Classification: Pathogenic. Last evaluated: 2025-10-02. Review status: criteria provided, single submitter. Criteria: Invitae Variant Classification Sherloc (09022015). Collection method: clinical testing. Allele origin: germline.
Comment: This sequence change creates a premature translational stop signal (p.Asp273*) in the GGCX gene. It is expected to result in an absent or disrupted protein product. Loss-of-function variants in GGCX are known to be pathogenic (PMID: 17110937, 17327402, 24520408). This variant is not present in population databases (gnomAD no frequency). This variant has not been reported in the literature in individuals affected with GGCX-related conditions. ClinVar contains an entry for this variant (Variation ID: 2034469). Algorithms developed to predict the effect of sequence changes on RNA splicing suggest that this variant may disrupt the consensus splice site. For these reasons, this variant has been classified as Pathogenic.

Literature cited by the submitters: PubMed 17110937; PubMed 17327402; PubMed 24520408.

NM_000821.7(GGCX):c.816dup (p.Asp273Ter)

Gene: GGCX (gamma-glutamyl carboxylase; minus strand). Cytogenetic location: 2p11.2.
Variant type: Duplication.
Coding change: c.816dup on transcript NM_000821.7 (MANE Select); coding-DNA position 816, one base duplicated (T; older notation c.816dupT).
Protein change: p.Asp273Ter; replaces aspartic acid 273 with a stop codon.
Molecular consequence: nonsense.
Genome position (GRCh38, 1-based): chr2:85,554,216, A duplicated on the plus strand (T on the coding strand, the reverse complement: GGCX is on the minus strand); the first of 6 consecutive A bases (chr2:85,554,216-85,554,221); duplicating any one gives the same sequence. VCF-style (leftmost placement, unchanged base first): chr2-85554215-C-CA. GRCh37 (hg19) VCF-style: chr2-85781338-C-CA.
Other names: c.645dup, p.Asp216Ter (NM_001142269.4); short protein forms D216*, D273*.
Identifiers: ClinVar variation 2034469 (VCV002034469.4), dbSNP rs2466134556, ClinGen allele CA2580068232.